The following is an entry in ClinVar:

ClinVar aggregate classification (germline): Uncertain significance. Review status: criteria provided, multiple submitters, no conflicts (2 of 4 stars). 2 submissions from 2 submitters: Uncertain significance (2). Last evaluated 2024-05-08.

Conditions:
Inborn genetic diseases. Identifiers: MedGen C0950123, MeSH D030342.
Congenital myasthenic syndrome 12 (CMS12). Also called: Myasthenia, congenital, 12, with tubular aggregates; MYASTHENIC SYNDROME, CONGENITAL, WITH TUBULAR AGGREGATES 1. Identifiers: Orphanet 353327, Orphanet 590, MedGen C3552335, MONDO:0012518, OMIM 610542.

Allele frequency attached by ClinVar (database versions not stated): gnomAD exomes below 0.00001 and 0.00001; TOPMed below 0.00001; ExAC 0.00001.
gnomAD v4.1: 10 of 1,614,126 alleles (0.00062%); highest among the groups gnomAD compares: Non-Finnish European, 0.00076%; no homozygotes.

Submissions (2):

Ambry Genetics
Classification: Uncertain significance for Inborn genetic diseases. Last evaluated: 2024-05-08. Review status: criteria provided, single submitter. Criteria: Ambry Variant Classification Scheme 2023. Collection method: clinical testing. Allele origin: germline.

Labcorp Genetics (formerly Invitae), Labcorp
Classification: Uncertain significance for Congenital myasthenic syndrome 12. Last evaluated: 2018-05-03. Review status: criteria provided, single submitter. Criteria: Invitae Variant Classification Sherloc (09022015). Collection method: clinical testing. Allele origin: germline.
Comment: This sequence change replaces threonine with alanine at codon 625 of the GFPT1 protein (p.Thr625Ala). The threonine residue is moderately conserved and there is a small physicochemical difference between threonine and alanine. This variant is present in population databases (rs772026265, ExAC 0.002%). This variant has not been reported in the literature in individuals with GFPT1-related disease. Algorithms developed to predict the effect of missense changes on protein structure and function (SIFT, PolyPhen-2, Align-GVGD) all suggest that this variant is likely to be tolerated, but these predictions have not been confirmed by published functional studies and their clinical significance is uncertain. In summary, the available evidence is currently insufficient to determine the role of this variant in disease. Therefore, it has been classified as a Variant of Uncertain Significance.

NM_001244710.2(GFPT1):c.1927A>G (p.Thr643Ala)

Gene: GFPT1 (glutamine--fructose-6-phosphate transaminase 1; minus strand). Cytogenetic location: 2p13.3.
Variant type: single nucleotide variant.
Coding change: c.1927A>G on transcript NM_001244710.2 (MANE Select); coding-DNA position 1927, A replaced by G.
Protein change: p.Thr643Ala; replaces threonine 643 with alanine.
Molecular consequence: missense variant.
Genome position (GRCh38, 1-based): chr2:69,327,042, T>C on the plus strand (A>G on the coding strand, the complement: GFPT1 is on the minus strand). VCF-style: chr2-69327042-T-C. GRCh37 (hg19) VCF-style: chr2-69554174-T-C.
Other names: c.1873A>G, p.Thr625Ala (NM_002056.4); short protein forms T625A, T643A.
Identifiers: ClinVar variation 571543 (VCV000571543.2), dbSNP rs772026265, ClinGen allele CA1693533.